The following is an entry in ClinVar:

ClinVar aggregate classification (germline): Likely benign. Review status: criteria provided, multiple submitters, no conflicts (2 of 4 stars). 2 submissions from 2 submitters: Likely benign (2). Last evaluated 2025-09-01.

Allele frequency attached by ClinVar (database versions not stated): ExAC 0.00033; gnomAD 0.00050 and 0.00061; ESP Exome Variant Server 0.00063; TOPMed 0.00066.
gnomAD v4.1: 1,222 of 1,601,916 alleles (0.076%); highest among the groups gnomAD compares: Non-Finnish European, 0.097%; 1 homozygote.

Submissions (2):

CeGaT Center for Human Genetics Tuebingen
Classification: Likely benign. Last evaluated: 2025-09-01. Review status: criteria provided, single submitter. Criteria: CeGaT Center For Human Genetics Tuebingen Variant Classification Criteria Version 2. Collection method: clinical testing. Allele origin: germline. Affected: yes. Observed: 1 variant allele.
Comment: JPH3: BP4, BP7

Labcorp Genetics (formerly Invitae), Labcorp
Classification: Likely benign. Last evaluated: 2018-02-23. Review status: criteria provided, single submitter. Criteria: Invitae Variant Classification Sherloc (09022015). Collection method: clinical testing. Allele origin: germline.

NM_020655.4(JPH3):c.1152G>A (p.Ala384=)

Gene: JPH3 (junctophilin 3; plus strand). Cytogenetic location: 16q24.2.
Variant type: single nucleotide variant.
Coding change: c.1152G>A on transcript NM_020655.4 (MANE Select); coding-DNA position 1152, G replaced by A.
Protein change: p.Ala384=; no amino-acid change (alanine 384 retained).
Molecular consequence: synonymous variant. On other transcripts: non-coding transcript variant (1).
Genome position (GRCh38, 1-based): chr16:87,645,027, G>A. VCF-style: chr16-87645027-G-A. GRCh37 (hg19) VCF-style: chr16-87678633-G-A.
Identifiers: ClinVar variation 708608 (VCV000708608.10), dbSNP rs376541804, ClinGen allele CA8220986.